The following is an entry in ClinVar:

NM_000535.7(PMS2):c.2268T>A (p.Asp756Glu)

Gene: PMS2 (PMS1 homolog 2, mismatch repair system component; minus strand). Cytogenetic location: 7p22.1.
Variant type: single nucleotide variant.
Coding change: c.2268T>A on transcript NM_000535.7 (MANE Select); coding-DNA position 2268, T replaced by A.
Protein change: p.Asp756Glu; replaces aspartic acid 756 with glutamic acid.
Molecular consequence: missense variant. On other transcripts: non-coding transcript variant (1).
Genome position (GRCh38, 1-based): chr7:5,978,603, A>T on the plus strand (T>A on the coding strand, the complement: PMS2 is on the minus strand). VCF-style: chr7-5978603-A-T. GRCh37 (hg19) VCF-style: chr7-6018234-A-T.
Other names: c.1863T>A, p.Asp621Glu (NM_001322003.2, NM_001322004.2, NM_001322005.2 and 1 more transcripts); c.2112T>A, p.Asp704Glu (NM_001322006.2); c.1950T>A, p.Asp650Glu (NM_001322007.2, NM_001322008.2); c.1707T>A, p.Asp569Glu (NM_001322010.2); c.1335T>A, p.Asp445Glu (NM_001322011.2, NM_001322012.2); c.1695T>A, p.Asp565Glu (NM_001322013.2); c.2268T>A, p.Asp756Glu (NM_001322014.2); c.1959T>A, p.Asp653Glu (NM_001322015.2); short protein forms D756E, D569E, D650E, D704E, D445E, D565E, D621E, D653E.
Identifiers: ClinVar variation 411032 (VCV000411032.9), dbSNP rs1060503119, ClinGen allele CA16612112.

ClinVar aggregate classification (germline): Uncertain significance (1 of 4 stars; one submission).

Conditions:
Hereditary nonpolyposis colorectal neoplasms. Identifiers: MedGen C0009405, MeSH D003123.

Submission:

Labcorp Genetics (formerly Invitae), Labcorp
Classification: Uncertain significance for Hereditary nonpolyposis colorectal neoplasms. Last evaluated: 2024-04-01. Review status: criteria provided, single submitter. Criteria: Invitae Variant Classification Sherloc (09022015). Collection method: clinical testing. Allele origin: germline.
Comment: This sequence change replaces aspartic acid, which is acidic and polar, with glutamic acid, which is acidic and polar, at codon 756 of the PMS2 protein (p.Asp756Glu). The frequency data for this variant in the population databases (gnomAD) is considered unreliable due to the presence of homologous sequence, such as pseudogenes or paralogs, in the genome. This variant has not been reported in the literature in individuals affected with PMS2-related conditions. ClinVar contains an entry for this variant (Variation ID: 411032). Advanced modeling of protein sequence and biophysical properties (such as structural, functional, and spatial information, amino acid conservation, physicochemical variation, residue mobility, and thermodynamic stability) performed at Invitae indicates that this missense variant is not expected to disrupt PMS2 protein function with a negative predictive value of 80%. In summary, the available evidence is currently insufficient to determine the role of this variant in disease. Therefore, it has been classified as a Variant of Uncertain Significance.